The following is an entry in ClinVar:

ClinVar aggregate classification (germline): Uncertain significance (1 of 4 stars; one submission).

Conditions:
EAST syndrome (SESAMES). Also called: SEIZURES, SENSORINEURAL DEAFNESS, ATAXIA, IMPAIRED INTELLECTUAL DEVELOPMENT, AND ELECTROLYTE IMBALANCE. Identifiers: Orphanet 199343, MedGen C2748572, MONDO:0013005, OMIM 612780.

Submission:

Labcorp Genetics (formerly Invitae), Labcorp
Classification: Uncertain significance for EAST syndrome. Last evaluated: 2025-02-09. Review status: criteria provided, single submitter. Criteria: Invitae Variant Classification Sherloc (09022015). Collection method: clinical testing. Allele origin: germline.
Comment: This sequence change replaces glutamic acid, which is acidic and polar, with glutamine, which is neutral and polar, at codon 310 of the KCNJ10 protein (p.Glu310Gln). This variant is present in population databases (rs200737764, gnomAD 0.006%). This variant has not been reported in the literature in individuals affected with KCNJ10-related conditions. Invitae Evidence Modeling of protein sequence and biophysical properties (such as structural, functional, and spatial information, amino acid conservation, physicochemical variation, residue mobility, and thermodynamic stability) indicates that this missense variant is not expected to disrupt KCNJ10 protein function with a negative predictive value of 95%. In summary, the available evidence is currently insufficient to determine the role of this variant in disease. Therefore, it has been classified as a Variant of Uncertain Significance.

NM_002241.5(KCNJ10):c.928G>C (p.Glu310Gln)

Gene: KCNJ10 (potassium inwardly rectifying channel subfamily J member 10; minus strand). Cytogenetic location: 1q23.2.
Variant type: single nucleotide variant.
Coding change: c.928G>C on transcript NM_002241.5 (MANE Select); coding-DNA position 928, G replaced by C.
Protein change: p.Glu310Gln; replaces glutamic acid 310 with glutamine.
Molecular consequence: missense variant.
Genome position (GRCh38, 1-based): chr1:160,041,605, C>G on the plus strand (G>C on the coding strand, the complement: KCNJ10 is on the minus strand). VCF-style: chr1-160041605-C-G. GRCh37 (hg19) VCF-style: chr1-160011395-C-G.
Other names: short protein forms E310Q.
Identifiers: ClinVar variation 4771370 (VCV004771370.1).